The following is an entry in ClinVar:

NM_015041.3(CLUAP1):c.400-1G>C

Gene: CLUAP1 (clusterin associated protein 1; plus strand). Cytogenetic location: 16p13.3.
Variant type: single nucleotide variant.
Coding change: c.400-1G>C on transcript NM_015041.3 (MANE Select); the canonical splice acceptor site of the intron before coding-DNA position 400, G replaced by C.
Molecular consequence: splice acceptor variant. On other transcripts: intron variant (1).
Genome position (GRCh38, 1-based): chr16:3,512,382, G>C. VCF-style: chr16-3512382-G-C. GRCh37 (hg19) VCF-style: chr16-3562382-G-C.
Other names: c.400-1G>C (NM_001330454.2); c.-4+2413G>C (NM_024793.3).
Identifiers: ClinVar variation 1061910 (VCV001061910.7), dbSNP rs2151049477, ClinGen allele CA394512663.

ClinVar aggregate classification (germline): Uncertain significance (1 of 4 stars; one submission).

Submission:

Labcorp Genetics (formerly Invitae), Labcorp
Classification: Uncertain significance. Last evaluated: 2020-03-31. Review status: criteria provided, single submitter. Criteria: Invitae Variant Classification Sherloc (09022015). Collection method: clinical testing. Allele origin: germline.
Comment: In summary, the available evidence is currently insufficient to determine the role of this variant in disease. Therefore, it has been classified as a Variant of Uncertain Significance. The current clinical and genetic evidence is not sufficient to establish whether loss-of-function variants in CLUAP1 cause disease. Algorithms developed to predict the effect of sequence changes on RNA splicing suggest that this variant may disrupt the consensus splice site, but this prediction has not been confirmed by published transcriptional studies. This variant has not been reported in the literature in individuals with CLUAP1-related conditions. This variant is not present in population databases (ExAC no frequency). This sequence change affects an acceptor splice site in intron 4 of the CLUAP1 gene. It is expected to disrupt RNA splicing and likely results in an absent or disrupted protein product.